The following is an entry in ClinVar:

ClinVar aggregate classification (germline): Likely benign. Review status: criteria provided, multiple submitters, no conflicts (2 of 4 stars). 2 submissions from 2 submitters: Likely benign (2). Last evaluated 2025-12-26.

Conditions:
Meckel-Gruber syndrome. Also called: GRUBER SYNDROME; Dysencephalia splachnocystica; DYSENCEPHALIA SPLANCHNOCYSTICA. Identifiers: Orphanet 564, MedGen C0265215, MONDO:0018921.
Nephronophthisis. Also called: Juvenile Nephronophthisis. Identifiers: Orphanet 655, MedGen C0687120, MONDO:0019005, HP:0000090.
Joubert syndrome. Also called: Familial aplasia of the vermis; JOUBERT-BOLTSHAUSER SYNDROME. Identifiers: Orphanet 475, MedGen C5979921, MONDO:0018772.
CEP290-related disorder. Also called: CEP290-related disorders; CEP290-related condition. Identifiers: MedGen CN239314.

Allele frequency attached by ClinVar (database versions not stated): gnomAD exomes below 0.00001; TOPMed below 0.00001.
gnomAD v4.1: 1 of 1,516,460 alleles (0.000066%); highest among the groups gnomAD compares: Non-Finnish European, 0.000088%; no homozygotes.

Submissions (2):

PreventionGenetics, part of Exact Sciences
Classification: Likely benign for CEP290-related condition. Last evaluated: 2025-12-26. Review status: criteria provided, single submitter. Criteria: ACMG Guidelines, 2015. Collection method: clinical testing. Allele origin: germline.
Comment: This variant is classified as likely benign based on ACMG/AMP sequence variant interpretation guidelines (Richards et al. 2015 PMID: 25741868, with internal and published modifications).

Labcorp Genetics (formerly Invitae), Labcorp
Classification: Likely benign for Joubert syndrome; Meckel-Gruber syndrome; Nephronophthisis. Last evaluated: 2023-08-18. Review status: criteria provided, single submitter. Criteria: Invitae Variant Classification Sherloc (09022015). Collection method: clinical testing. Allele origin: germline.

NM_025114.4(CEP290):c.1005G>A (p.Arg335=)

Gene: CEP290 (centrosomal protein 290; minus strand). Cytogenetic location: 12q21.32.
Variant type: single nucleotide variant.
Coding change: c.1005G>A on transcript NM_025114.4 (MANE Select); coding-DNA position 1005, G replaced by A.
Protein change: p.Arg335=; no amino-acid change (arginine 335 retained).
Molecular consequence: synonymous variant.
Genome position (GRCh38, 1-based): chr12:88,126,376, C>T on the plus strand (G>A on the coding strand, the complement: CEP290 is on the minus strand). VCF-style: chr12-88126376-C-T. GRCh37 (hg19) VCF-style: chr12-88520153-C-T.
Identifiers: ClinVar variation 712963 (VCV000712963.12), dbSNP rs1043933772, ClinGen allele CA241155334.
Genomic context (GRCh38, chr12:88,126,376, plus strand): 5'-CTGCTGTAGAGCCATAACATTACTTTTATCAGCATCAAGCTGAGCATTCTTAAGTTTCTC[C>T]CTTAGGTTATGTAACATTTGCTGATACTCAATAATTTCATCATCTTTAGAAGACAAAATT-3'
Protein context (NP_079390.3, residues 325-345): IEYQQMLHNL[Arg335=]EKLKNAQLDA